The following is an entry in ClinVar:

NM_001253697.2(ERBIN):c.624A>G (p.Gly208=)

Gene: ERBIN (erbb2 interacting protein; plus strand). Cytogenetic location: 5q12.3.
Variant type: single nucleotide variant.
Coding change: c.624A>G on transcript NM_001253697.2 (MANE Select); coding-DNA position 624, A replaced by G.
Protein change: p.Gly208=; no amino-acid change (glycine 208 retained).
Molecular consequence: synonymous variant.
Genome position (GRCh38, 1-based): chr5:66,023,316, A>G. VCF-style: chr5-66023316-A-G. GRCh37 (hg19) VCF-style: chr5-65319144-A-G.
Other names: c.624A>G, p.Gly208= (NM_001006600.3, NM_001253698.2, NM_001253699.2 and 2 more transcripts).
Identifiers: ClinVar variation 3615577 (VCV003615577.2).

ClinVar aggregate classification (germline): Uncertain significance (1 of 4 stars; one submission).

gnomAD v4.1: 8 of 1,613,262 alleles (0.0005%); highest among the groups gnomAD compares: Non-Finnish European, 0.00068%; no homozygotes.

Submission:

Labcorp Genetics (formerly Invitae), Labcorp
Classification: Uncertain significance. Last evaluated: 2025-05-05. Review status: criteria provided, single submitter. Criteria: Invitae Variant Classification Sherloc (09022015). Collection method: clinical testing. Allele origin: germline.
Comment: This sequence change affects codon 208 of the ERBIN mRNA. It is a 'silent' change, meaning that it does not change the encoded amino acid sequence of the ERBIN protein. This variant is present in population databases (rs747139365, gnomAD 0.004%). This variant has not been reported in the literature in individuals affected with ERBIN-related conditions. ClinVar contains an entry for this variant (Variation ID: 3615577). Algorithms developed to predict the effect of sequence changes on RNA splicing suggest that this variant may disrupt the consensus splice site. In summary, the available evidence is currently insufficient to determine the role of this variant in disease. Therefore, it has been classified as a Variant of Uncertain Significance.